The following is an entry in ClinVar:

ClinVar aggregate classification (germline): Uncertain significance (1 of 4 stars; one submission).

Conditions:
Inborn genetic diseases. Identifiers: MedGen C0950123, MeSH D030342.

Submission:

Ambry Genetics
Classification: Uncertain significance for Inborn genetic diseases. Last evaluated: 2025-10-12. Review status: criteria provided, single submitter. Criteria: Ambry Variant Classification Scheme 2023. Collection method: clinical testing. Allele origin: germline.
Comment: The p.G1613R variant (also known as c.4837G>A), located in coding exon 32 of the ANKRD26 gene, results from a G to A substitution at nucleotide position 4837. The glycine at codon 1613 is replaced by arginine, an amino acid with dissimilar properties. This amino acid position is conserved. In addition, this alteration is predicted to be tolerated by in silico analysis. Based on the available evidence, the clinical significance of this variant remains unclear.

NM_014915.3(ANKRD26):c.4837G>A (p.Gly1613Arg)

Gene: ANKRD26 (ankyrin repeat domain 26; minus strand). Cytogenetic location: 10p12.1.
Variant type: single nucleotide variant.
Coding change: c.4837G>A on transcript NM_014915.3 (MANE Select); coding-DNA position 4837, G replaced by A.
Protein change: p.Gly1613Arg; replaces glycine 1613 with arginine.
Molecular consequence: missense variant.
Genome position (GRCh38, 1-based): chr10:27,012,998, C>T on the plus strand (G>A on the coding strand, the complement: ANKRD26 is on the minus strand). VCF-style: chr10-27012998-C-T. GRCh37 (hg19) VCF-style: chr10-27301927-C-T.
Other names: c.4834G>A, p.Gly1612Arg (NM_001256053.2); short protein forms G1612R, G1613R.
Identifiers: ClinVar variation 4579311 (VCV004579311.1).